The following is an entry in ClinVar:

ClinVar aggregate classification (germline): Likely benign (0 of 4 stars; one submission).

Conditions:
PLXNA2-related disorder. Also called: PLXNA2-related condition.

gnomAD v4.1: 6 of 1,613,882 alleles (0.00037%); highest among the groups gnomAD compares: East Asian, 0.0022%; no homozygotes.

Submission:

PreventionGenetics, part of Exact Sciences
Classification: Likely benign for PLXNA2-related condition. Last evaluated: 2024-08-23. Review status: no assertion criteria provided. Collection method: clinical testing. Allele origin: germline.
Comment: This variant is classified as likely benign based on ACMG/AMP sequence variant interpretation guidelines (Richards et al. 2015 PMID: 25741868, with internal and published modifications).

NM_025179.4(PLXNA2):c.1272G>A (p.Leu424=)

Gene: PLXNA2 (plexin A2; minus strand). Cytogenetic location: 1q32.2.
Variant type: single nucleotide variant.
Coding change: c.1272G>A on transcript NM_025179.4 (MANE Select); coding-DNA position 1272, G replaced by A.
Protein change: p.Leu424=; no amino-acid change (leucine 424 retained).
Molecular consequence: synonymous variant.
Genome position (GRCh38, 1-based): chr1:208,210,379, C>T on the plus strand (G>A on the coding strand, the complement: PLXNA2 is on the minus strand). VCF-style: chr1-208210379-C-T. GRCh37 (hg19) VCF-style: chr1-208383724-C-T.
Identifiers: ClinVar variation 3344488 (VCV003344488.1).